The following is an entry in ClinVar:

NM_004380.3(CREBBP):c.5704A>T (p.Thr1902Ser)

Gene: CREBBP (CREB binding lysine acetyltransferase; minus strand). Cytogenetic location: 16p13.3.
Variant type: single nucleotide variant.
Coding change: c.5704A>T on transcript NM_004380.3 (MANE Select); coding-DNA position 5704, A replaced by T.
Protein change: p.Thr1902Ser; replaces threonine 1902 with serine.
Molecular consequence: missense variant.
Genome position (GRCh38, 1-based): chr16:3,729,343, T>A on the plus strand (A>T on the coding strand, the complement: CREBBP is on the minus strand). VCF-style: chr16-3729343-T-A. GRCh37 (hg19) VCF-style: chr16-3779344-T-A.
Other names: c.5590A>T, p.Thr1864Ser (NM_001079846.1); short protein forms T1864S, T1902S.
Identifiers: ClinVar variation 4281855 (VCV004281855.1).
Genomic context (GRCh38, chr16:3,729,343, plus strand): 5'-GGAAGCCAGCTGGTGACATGCTCACGGGTGAGGGTTGGGGCTGGGCAGGGGGCTGCGGCG[T>A]CTGGGGTGTGCTGGGCTGCTGTGTGGGGGTCCCGGGCGGTGCTGAGGTAGGAGAAGGCAG-3'
Protein context (NP_004371.2, residues 1892-1912): TPTQQPSTPQ[Thr1902Ser]PQPPAQPQPS

ClinVar aggregate classification (germline): Uncertain significance (1 of 4 stars; one submission).

Submission:

GeneDx
Classification: Uncertain significance. Last evaluated: 2025-04-09. Review status: criteria provided, single submitter. Criteria: GeneDx Variant Classification Process June 2021. Collection method: clinical testing. Allele origin: germline. Affected: yes.
Comment: Not observed at significant frequency in large population cohorts (gnomAD); In silico analysis supports that this missense variant has a deleterious effect on protein structure/function; Has not been previously published as pathogenic or benign to our knowledge